The following is an entry in ClinVar:

NM_001070.5(TUBG1):c.821C>T (p.Thr274Ile)

Gene: TUBG1 (tubulin gamma 1; plus strand). Cytogenetic location: 17q21.2.
Variant type: single nucleotide variant.
Coding change: c.821C>T on transcript NM_001070.5 (MANE Select); coding-DNA position 821, C replaced by T.
Protein change: p.Thr274Ile; replaces threonine 274 with isoleucine.
Molecular consequence: missense variant.
Genome position (GRCh38, 1-based): chr17:42,613,976, C>T. VCF-style: chr17-42613976-C-T. GRCh37 (hg19) VCF-style: chr17-40765994-C-T.
Other names: short protein forms T274I.
Identifiers: ClinVar variation 392052 (VCV000392052.4), dbSNP rs1803693, ClinGen allele CA16607241.
Genomic context (GRCh38, chr17:42,613,976, plus strand): 5'-TCGGCCTCATCGCCTCGCTCATTCCCACCCCACGGCTCCACTTCCTCATGACCGGCTACA[C>T]CCCTCTCACTACGGACCAGTCAGTAAGAGCAGCCTTCAGTGTCCCAGGCCAGGCCGGCCC-3'
Protein context (NP_001061.2, residues 264-284): PRLHFLMTGY[Thr274Ile]PLTTDQSVAS

ClinVar aggregate classification (germline): Likely pathogenic (1 of 4 stars; one submission).

Submission:

GeneDx
Classification: Likely pathogenic. Last evaluated: 2023-05-10. Review status: criteria provided, single submitter. Criteria: GeneDx Variant Classification Process June 2021. Collection method: clinical testing. Allele origin: germline. Affected: yes.
Comment: Not observed in large population cohorts (gnomAD); In silico analysis supports that this missense variant has a deleterious effect on protein structure/function; Has not been previously published as pathogenic or benign to our knowledge